The following is an entry in ClinVar:

NM_006849.4(PDIA2):c.318C>T (p.Arg106=)

Gene: PDIA2 (protein disulfide isomerase family A member 2; plus strand). Cytogenetic location: 16p13.3.
Variant type: single nucleotide variant.
Coding change: c.318C>T on transcript NM_006849.4 (MANE Select); coding-DNA position 318, C replaced by T.
Protein change: p.Arg106=; no amino-acid change (arginine 106 retained).
Molecular consequence: synonymous variant.
Genome position (GRCh38, 1-based): chr16:284,505, C>T. VCF-style: chr16-284505-C-T. GRCh37 (hg19) VCF-style: chr16-334505-C-T.
Identifiers: ClinVar variation 3257035 (VCV003257035.17).
Genomic context (GRCh38, chr16:284,505, plus strand): 5'-CGTGCTCGCGGCCGAGTCAATGGTGGTCACGCTGGCCAAGGTGGATGGGCCCGCGCAGCG[C>T]GAGCTGGCTGAGGAGTTTGGTGTGACGGAGTACCCTACGCTCAAGTTCTTCCGCAATGGG-3'
Protein context (NP_006840.2, residues 96-116): TLAKVDGPAQ[Arg106=]ELAEEFGVTE

ClinVar aggregate classification (germline): Likely benign (1 of 4 stars; one submission).

gnomAD v4.1: 237 of 1,611,448 alleles (0.015%); highest among the groups gnomAD compares: Non-Finnish European, 0.018%; no homozygotes.

Submission:

CeGaT Center for Human Genetics Tuebingen
Classification: Likely benign. Last evaluated: 2024-07-01. Review status: criteria provided, single submitter. Criteria: CeGaT Center For Human Genetics Tuebingen Variant Classification Criteria Version 2. Collection method: clinical testing. Allele origin: germline. Affected: yes. Observed: 1 variant allele.
Comment: PDIA2: BP4, BP7